The following is an entry in ClinVar:

ClinVar aggregate classification (germline): Likely benign (0 of 4 stars; one submission).

Conditions:
Polycystic kidney disease. Also called: Polycystic kidney dysplasia; Kidney, Polycystic. Identifiers: MedGen C0022680, MeSH D007690, MONDO:0020642, HP:0000113.

Allele frequency attached by ClinVar (database versions not stated): gnomAD 0.00003; TOPMed 0.00003; ExAC 0.00002.
gnomAD v4.1: 38 of 1,593,934 alleles (0.0024%); highest among the groups gnomAD compares: Non-Finnish European, 0.0032%; no homozygotes.

Submission:

Department of Pathology and Laboratory Medicine, Sinai Health System
Classification: Likely benign for Polycystic Kidney disease. Review status: no assertion criteria provided. Collection method: clinical testing. Allele origin: unknown. Affected: yes. Study: The Canadian Open Genetics Repository (COGR).
Comment: The PKD1 c.8016+11C>G variant was not identified in the literature nor was it identified in the ClinVar, LOVD 3.0, ADPKD Mutation Database or PKD1-LOVD databases. It was identified in dbSNP (ID: rs757750385) as "NA" and in control databases in 3 of 223764 chromosomes at a frequency of 0.00001 (Genome Aggregation Database Feb 27, 2017). The variant was observed in the European population in 3 of 104396 chromosomes (freq: 0.00003), while the variant was not observed in the African, Other, Latino, Ashkenazi Jewish, East Asian, Finnish, or South Asian populations. In addition, we cannot be certain that data from control databases is specific to PKD1 and not from one of the six PKD1 pseudogenes. The variant occurs outside of the splicing consensus sequence and in silico or computational prediction software programs (SpliceSiteFinder, MaxEntScan, NNSPLICE, GeneSplicer) do not predict a difference in splicing. This variant was identified by our laboratory with a co-occurring, pathogenic PKD1 variant (c.5923C>T, p.Gln1975*), increasing the likelihood that the c.8016+11C>G variant does not have clinical significance. In summary, based on the above information, the clinical significance of this variant cannot be determined with certainty at this time although we would lean towards a more benign role for this variant. This variant is classified as likely benign.

NM_001009944.3(PKD1):c.8016+11C>G

Gene: PKD1 (polycystin 1, transient receptor potential channel interacting; minus strand). Cytogenetic location: 16p13.3.
Variant type: single nucleotide variant.
Coding change: c.8016+11C>G on transcript NM_001009944.3 (MANE Select); 11 bases into the intron after coding-DNA position 8016, C replaced by G.
Molecular consequence: intron variant.
Genome position (GRCh38, 1-based): chr16:2,105,311, G>C on the plus strand (C>G on the coding strand, the complement: PKD1 is on the minus strand). VCF-style: chr16-2105311-G-C. GRCh37 (hg19) VCF-style: chr16-2155312-G-C.
Other names: c.8016+11C>G (NM_000296.4).
Identifiers: ClinVar variation 997155 (VCV000997155.1), dbSNP rs757750385, ClinGen allele CA7830775.